The following is an entry in ClinVar:

NM_015100.4(POGZ):c.845C>T (p.Thr282Met)

Gene: POGZ (pogo transposable element derived with ZNF domain; minus strand). Cytogenetic location: 1q21.3.
Variant type: single nucleotide variant.
Coding change: c.845C>T on transcript NM_015100.4 (MANE Select); coding-DNA position 845, C replaced by T.
Protein change: p.Thr282Met; replaces threonine 282 with methionine.
Molecular consequence: missense variant.
Genome position (GRCh38, 1-based): chr1:151,428,137, G>A on the plus strand (C>T on the coding strand, the complement: POGZ is on the minus strand). VCF-style: chr1-151428137-G-A. GRCh37 (hg19) VCF-style: chr1-151400613-G-A.
Other names: c.845C>T, p.Thr282Met (NM_001194937.2); c.686C>T, p.Thr229Met (NM_001194938.2, NM_207171.2); c.866C>T, p.Thr289Met (NM_001410860.1); c.560C>T, p.Thr187Met (NM_145796.4); short protein forms T187M, T229M, T282M, T289M.
Identifiers: ClinVar variation 3766235 (VCV003766235.2).
Genomic context (GRCh38, chr1:151,428,137, plus strand): 5'-CCACCATCCCAACCTGGCTCTGCCATCTCCTCTTCCGAAGCCTTACCTAGCTTGGGATTC[G>A]TGGTCTGGTTTGACTGGCCTGGAGACTGAACAGCTAGTTGCCCCAGTGAGGTTGGCTGTG-3'
Protein context (NP_055915.2, residues 272-292): VQSPGQSNQT[Thr282Met]NPKLAPSFPS

ClinVar aggregate classification (germline): Uncertain significance. Review status: criteria provided, multiple submitters, no conflicts (2 of 4 stars). 2 submissions from 2 submitters: Uncertain significance (2). Last evaluated 2025-05-27.

Conditions:
Intellectual disability-microcephaly-strabismus-behavioral abnormalities syndrome. Also called: White-Sutton Syndrome. Identifiers: Orphanet 468678, MedGen C4225351, MONDO:0014606, OMIM 616364.

gnomAD v4.1: 4 of 1,613,958 alleles (0.00025%); highest among the groups gnomAD compares: East Asian, 0.0022%; no homozygotes.

Submissions (2):

Department of Paediatrics at Addenbrookes, Cambridge University Hospitals NHS Foundation Trust (UK)
Classification: Uncertain significance for Intellectual disability-microcephaly-strabismus-behavioral abnormalities syndrome. Last evaluated: 2025-05-27. Review status: criteria provided, single submitter. Criteria: Durkie Uk Practice Guidelines For Variant Classification V12 2024 (1). Collection method: clinical testing. Allele origin: unknown.
Comment: PM2_Moderate; BP4_Supporting

GeneDx
Classification: Uncertain significance. Last evaluated: 2024-08-23. Review status: criteria provided, single submitter. Criteria: GeneDx Variant Classification Process June 2021. Collection method: clinical testing. Allele origin: germline. Affected: yes.
Comment: Not observed at significant frequency in large population cohorts (gnomAD); In silico analysis indicates that this missense variant does not alter protein structure/function; Has not been previously published as pathogenic or benign to our knowledge